The following is an entry in ClinVar:

NM_020884.7(MYH7B):c.850C>T (p.Arg284Cys)

Gene: MYH7B (myosin heavy chain 7B; plus strand). Cytogenetic location: 20q11.22.
Variant type: single nucleotide variant.
Coding change: c.850C>T on transcript NM_020884.7 (MANE Select); coding-DNA position 850, C replaced by T.
Protein change: p.Arg284Cys; replaces arginine 284 with cysteine.
Molecular consequence: missense variant.
Genome position (GRCh38, 1-based): chr20:34,986,144, C>T. VCF-style: chr20-34986144-C-T. GRCh37 (hg19) VCF-style: chr20-33573947-C-T.
Other names: c.976C>T (NM_020884.4); short protein forms R284C.
Identifiers: ClinVar variation 1559222 (VCV001559222.9), dbSNP rs142381066, ClinGen allele CA9826682.

ClinVar aggregate classification (germline): Likely benign. Review status: criteria provided, multiple submitters, no conflicts (2 of 4 stars). 2 submissions from 2 submitters: Likely benign (2). Last evaluated 2026-02-01.

Conditions:
MYH7B-related disorder. Also called: MYH7B-related condition.

Allele frequency attached by ClinVar (database versions not stated): gnomAD exomes 0.00018; ExAC 0.00053; ESP Exome Variant Server 0.00072; gnomAD 0.00074 and 0.00080; 1000 Genomes Project 30x 0.00109; 1000 Genomes Project 0.00160.
gnomAD v4.1: 276 of 1,598,706 alleles (0.017%); highest among the groups gnomAD compares: African/African-American, 0.27%; 2 homozygotes.

Submissions (2):

Labcorp Genetics (formerly Invitae), Labcorp
Classification: Likely benign. Last evaluated: 2026-02-01. Review status: criteria provided, single submitter. Criteria: Invitae Variant Classification Sherloc (09022015). Collection method: clinical testing. Allele origin: germline.

PreventionGenetics, part of Exact Sciences
Classification: Likely benign for MYH7B-related condition. Last evaluated: 2024-12-04. Review status: criteria provided, single submitter. Criteria: ACMG Guidelines, 2015. Collection method: clinical testing. Allele origin: germline.
Comment: This variant is classified as likely benign based on ACMG/AMP sequence variant interpretation guidelines (Richards et al. 2015 PMID: 25741868, with internal and published modifications).